The following is an entry in ClinVar:

NM_203475.3(PORCN):c.1121C>T (p.Ala374Val)

Gene: PORCN (porcupine O-acyltransferase; plus strand). Cytogenetic location: Xp11.23.
Variant type: single nucleotide variant.
Coding change: c.1121C>T on transcript NM_203475.3 (MANE Select); coding-DNA position 1121, C replaced by T.
Protein change: p.Ala374Val; replaces alanine 374 with valine.
Molecular consequence: missense variant.
Genome position (GRCh38, 1-based): chrX:48,516,094, C>T. VCF-style: chrX-48516094-C-T. GRCh37 (hg19) VCF-style: chrX-48374482-C-T.
Other names: c.875C>T, p.Ala292Val (NM_001282167.2); c.1088C>T, p.Ala363Val (NM_022825.4); c.1106C>T, p.Ala369Val (NM_203473.3); c.1103C>T, p.Ala368Val (NM_203474.1); short protein forms A292V, A363V, A368V, A369V, A374V.
Identifiers: ClinVar variation 3252950 (VCV003252950.1), dbSNP rs2519483483.

ClinVar aggregate classification (germline): Uncertain significance (1 of 4 stars; one submission).

Submission:

GeneDx
Classification: Uncertain significance. Last evaluated: 2023-12-06. Review status: criteria provided, single submitter. Criteria: GeneDx Variant Classification Process June 2021. Collection method: clinical testing. Allele origin: germline. Affected: yes.
Comment: Not observed at significant frequency in large population cohorts (gnomAD); In silico analysis supports that this missense variant has a deleterious effect on protein structure/function; Has not been previously published as pathogenic or benign to our knowledge